The following is an entry in ClinVar:

ClinVar aggregate classification (germline): Uncertain significance (1 of 4 stars; one submission).

Allele frequency attached by ClinVar (database versions not stated): gnomAD exomes below 0.00001 and 0.00001; gnomAD 0.00002; TOPMed 0.00002.
gnomAD v4.1: 8 of 1,521,744 alleles (0.00053%); highest among the groups gnomAD compares: South Asian, 0.0036%; no homozygotes.

Submission:

GeneDx
Classification: Uncertain significance. Last evaluated: 2019-12-24. Review status: criteria provided, single submitter. Criteria: GeneDx Variant Classification Process June 2021. Collection method: clinical testing. Allele origin: germline. Affected: yes.
Comment: Has not been previously published as pathogenic or benign to our knowledge; Not observed at a significant frequency in large population cohorts (Lek et al., 2016); In silico analysis, which includes splice predictors and evolutionary conservation, supports that this variant does not alter protein structure/function; Variant is present in an alternative isoform where no mutations have been reported in HGMD and is located within a deep intronic region in the main transcript; This variant is associated with the following publications: (PMID: 30847666)

NM_000238.4(KCNH2):c.2398+235G>A

Gene: KCNH2 (potassium voltage-gated channel subfamily H member 2; minus strand). Cytogenetic location: 7q36.1.
Variant type: single nucleotide variant.
Coding change: c.2398+235G>A on transcript NM_000238.4 (MANE Select); 235 bases into the intron after coding-DNA position 2398, G replaced by A.
Molecular consequence: intron variant. On other transcripts: missense variant (5).
Genome position (GRCh38, 1-based): chr7:150,949,933, C>T on the plus strand (G>A on the coding strand, the complement: KCNH2 is on the minus strand). VCF-style: chr7-150949933-C-T. GRCh37 (hg19) VCF-style: chr7-150647021-C-T.
Other names: c.1613G>A, p.Arg538His (NM_001204798.2); c.2456G>A, p.Arg819His (NM_001406755.1); c.2345G>A, p.Arg782His (NM_001406756.1); c.2333G>A, p.Arg778His (NM_001406757.1); c.2633G>A, p.Arg878His (NM_172056.3); c.1378+235G>A (NM_172057.3); short protein forms R538H, R878H, R778H, R782H, R819H.
Identifiers: ClinVar variation 1311311 (VCV001311311.4), dbSNP rs971751063, ClinGen allele CA169075466.
Genomic context (GRCh38, chr7:150,949,933, plus strand): 5'-CCAGGCTAGAGGATCTAGATTTGATCCTACTTTAAGGAAGCAAAAAGTGTCTGTTTGTGG[C>T]GGATCCTGAAGGGAAGGAGAATGTGGGAACCCCAGAGTTCAGCAGCCTCACCCCACGTGG-3'